The following is an entry in ClinVar:

NM_001377265.1(MAPT):c.1708G>A (p.Ala570Thr)

Gene: MAPT (microtubule associated protein tau). Cytogenetic location: 17q21.31.
Variant type: single nucleotide variant.
Coding change: c.1708G>A on transcript NM_001377265.1 (MANE Select); coding-DNA position 1708, G replaced by A.
Protein change: p.Ala570Thr; replaces alanine 570 with threonine.
Molecular consequence: missense variant.
Genome position (GRCh38, 1-based): chr17:45,991,562, G>A. VCF-style: chr17-45991562-G-A. GRCh37 (hg19) VCF-style: chr17-44068928-G-A.
Other names: p.Ala178Thr; c.1483G>A, p.Ala495Thr (NM_001123066.4, NM_016835.5); c.445G>A, p.Ala149Thr (NM_001123067.4, NM_001203251.2, NM_001377267.1); c.532G>A, p.Ala178Thr (NM_001203252.2, NM_005910.6); c.1510G>A, p.Ala504Thr (NM_001377266.1); c.358G>A, p.Ala120Thr (NM_001377268.1, NM_016834.5, NM_016841.5); short protein forms A495T, A178T, A120T, A149T, A504T, A570T.
Identifiers: ClinVar variation 98205 (VCV000098205.24), dbSNP rs63750612, ClinGen allele CA225403.

ClinVar aggregate classification (germline): Benign. Review status: criteria provided, multiple submitters, no conflicts (2 of 4 stars). 10 submissions from 10 submitters: Benign (7). 3 of the submissions do not count toward it. Last evaluated 2026-01-27.

Conditions:
MAPT-Related Spectrum Disorders.
Frontotemporal dementia (FTD1). Also called: Frontotemporal Dementia with Parkinsonism-17 (FTDP-17); FRONTOTEMPORAL DEMENTIA WITH PARKINSONISM; FRONTOTEMPORAL LOBE DEMENTIA; MULTIPLE SYSTEM TAUOPATHY WITH PRESENILE DEMENTIA; Dementia, frontotemporal, with or without parkinsonism; WILHELMSEN-LYNCH DISEASE. Identifiers: Orphanet 282, MedGen C0338451, MONDO:0017276, OMIM 600274, HP:0002145.

Allele frequency attached by ClinVar (database versions not stated): gnomAD exomes 0.00133 and 0.00364; ExAC 0.00422; gnomAD 0.01430 and 0.01528; 1000 Genomes Project 0.01478; 1000 Genomes Project 30x 0.01655; ESP Exome Variant Server 0.01538; TOPMed 0.01618.
gnomAD v4.1: 4,213 of 1,614,058 alleles (0.26%); highest among the groups gnomAD compares: African/African-American, 4.9%; 100 homozygotes.

Submissions (10):

Labcorp Genetics (formerly Invitae), Labcorp
Classification: Benign for Frontotemporal dementia. Last evaluated: 2026-01-27. Review status: criteria provided, single submitter. Criteria: Invitae Variant Classification Sherloc (09022015). Collection method: clinical testing. Allele origin: germline.

Mayo Clinic Laboratories, Mayo Clinic
Classification: Benign. Last evaluated: 2024-10-18. Review status: criteria provided, single submitter. Criteria: ACMG Guidelines, 2015. Collection method: clinical testing. Allele origin: germline. Observed: 3 variant alleles.
Comment: BS1, BS2, BS4, BP4, BP5

Athena Diagnostics
Classification: Benign. Last evaluated: 2023-11-21. Review status: criteria provided, single submitter. Criteria: Athena Diagnostics Criteria. Collection method: clinical testing. Allele origin: unknown.

GeneDx
Classification: Benign. Last evaluated: 2019-03-19. Review status: criteria provided, single submitter. Criteria: GeneDx Variant Classification Process June 2021. Collection method: clinical testing. Allele origin: germline. Affected: yes.

Illumina Laboratory Services, Illumina
Classification: Benign for MAPT-Related Spectrum Disorders. Last evaluated: 2018-01-13. Review status: criteria provided, single submitter. Criteria: ICSL Variant Classification Criteria 13 December 2019. Collection method: clinical testing. Allele origin: germline.
Comment: This variant was observed in the ICSL laboratory as part of a predisposition screen in an ostensibly healthy population. It had not been previously curated by ICSL or reported in the Human Gene Mutation Database (HGMD: prior to June 1st, 2018), and was therefore a candidate for classification through an automated scoring system. Utilizing variant allele frequency, disease prevalence and penetrance estimates, and inheritance mode, an automated score was calculated to assess if this variant is too frequent to cause the disease. Based on the score and internal cut-off values, a variant classified as benign is not then subjected to further curation. The score for this variant resulted in a classification of benign for this disease.

Breakthrough Genomics
Classification: Benign. Review status: criteria provided, single submitter. Criteria: ACMG Guidelines, 2015. Collection method: not provided. Allele origin: germline. Inheritance: Autosomal recessive inheritance. Affected: yes.

PreventionGenetics, part of Exact Sciences
Classification: Benign. Review status: criteria provided, single submitter. Criteria: ACMG Guidelines, 2015. Collection method: clinical testing. Allele origin: germline.

Clinical Genetics DNA and cytogenetics Diagnostics Lab, Erasmus MC, Erasmus Medical Center
Classification: Benign. Review status: no assertion criteria provided. Collection method: clinical testing. Allele origin: germline. Affected: yes. Study: VKGL Data-share Consensus. Not counted in ClinVar's aggregate classification.

Genome Diagnostics Laboratory, Amsterdam University Medical Center
Classification: Benign. Review status: no assertion criteria provided. Collection method: clinical testing. Allele origin: germline. Affected: yes. Study: VKGL Data-share Consensus. Not counted in ClinVar's aggregate classification.

VIB  Department of Molecular Genetics, University of Antwerp
No classification provided. Review status: no classification provided. Collection method: not provided. Allele origin: unknown. Not counted in ClinVar's aggregate classification.

Literature cited by the submitters: PubMed 12810495 (cited by Mayo Clinic Laboratories, Mayo Clinic and Athena Diagnostics); PubMed 15365985 (cited by Mayo Clinic Laboratories, Mayo Clinic); PubMed 27632209 (cited by Mayo Clinic Laboratories, Mayo Clinic); PubMed 30590647 (cited by Athena Diagnostics); PubMed 10076890 (cited by Athena Diagnostics); PubMed 10443890 (cited by Athena Diagnostics).